The following is an entry in ClinVar:

ClinVar aggregate classification (germline): Uncertain significance. Review status: criteria provided, multiple submitters, no conflicts (2 of 4 stars). 2 submissions from 2 submitters: Uncertain significance (2). Last evaluated 2022-08-11.

Conditions:
Inborn genetic diseases. Identifiers: MedGen C0950123, MeSH D030342.

Allele frequency attached by ClinVar (database versions not stated): ExAC 0.00009; TOPMed 0.00011; ESP Exome Variant Server 0.00038.

Submissions (2):

Ambry Genetics
Classification: Uncertain significance for Inborn genetic diseases. Last evaluated: 2022-08-11. Review status: criteria provided, single submitter. Criteria: Ambry Variant Classification Scheme 2023. Collection method: clinical testing. Allele origin: germline.

Labcorp Genetics (formerly Invitae), Labcorp
Classification: Uncertain significance. Last evaluated: 2022-07-29. Review status: criteria provided, single submitter. Criteria: Invitae Variant Classification Sherloc (09022015). Collection method: clinical testing. Allele origin: germline.
Comment: This sequence change replaces lysine, which is basic and polar, with arginine, which is basic and polar, at codon 121 of the PROSC protein (p.Lys121Arg). This variant is present in population databases (rs143124940, gnomAD 0.02%). This variant has not been reported in the literature in individuals affected with PROSC-related conditions. Algorithms developed to predict the effect of missense changes on protein structure and function (SIFT, PolyPhen-2, Align-GVGD) all suggest that this variant is likely to be disruptive. In summary, the available evidence is currently insufficient to determine the role of this variant in disease. Therefore, it has been classified as a Variant of Uncertain Significance.

NM_007198.4(PLPBP):c.362A>G (p.Lys121Arg)

Gene: PLPBP (pyridoxal phosphate binding protein; plus strand). Cytogenetic location: 8p11.23.
Variant type: single nucleotide variant.
Coding change: c.362A>G on transcript NM_007198.4 (MANE Select); coding-DNA position 362, A replaced by G.
Protein change: p.Lys121Arg; replaces lysine 121 with arginine.
Molecular consequence: missense variant.
Genome position (GRCh38, 1-based): chr8:37,772,797, A>G. VCF-style: chr8-37772797-A-G. GRCh37 (hg19) VCF-style: chr8-37630315-A-G.
Other names: c.362A>G, p.Lys121Arg (NM_001349346.2); c.356A>G, p.Lys119Arg (NM_001349347.2); c.206A>G, p.Lys69Arg (NM_001349348.2); c.362A>G (NM_007198.3); short protein forms K119R, K121R, K69R.
Identifiers: ClinVar variation 2049326 (VCV002049326.2), dbSNP rs143124940, ClinGen allele CA4711219.
Genomic context (GRCh38, chr8:37,772,797, plus strand): 5'-GCCTCTGTCTCATTACAGCTGTCCCCAATCTCTTCATGCTGGAAACAGTGGATTCTGTGA[A>G]GTTGGCAGACAAAGTGAACAGTTCCTGGCAGAGAAAAGGTTCTCCTGAAAGGTTAAAGGT-3'
Protein context (NP_009129.1, residues 111-131): LFMLETVDSV[Lys121Arg]LADKVNSSWQ